The following is an entry in ClinVar:

NC_000023.11:g.(?_33211262)_(33211366_?)del

Gene: DMD (dystrophin; minus strand). Cytogenetic location: Xp21.1.
Variant type: Deletion.
Identifiers: ClinVar variation 455849 (VCV000455849.1).

ClinVar aggregate classification (germline): Pathogenic (1 of 4 stars; one submission).

Conditions:
Duchenne muscular dystrophy (DMD). Also called: MUSCULAR DYSTROPHY, PSEUDOHYPERTROPHIC PROGRESSIVE, DUCHENNE TYPE; Duchenne Muscular Dystrophy (DMD). Identifiers: Orphanet 98896, MedGen C0013264, MONDO:0010679, OMIM 310200.

Submission:

Labcorp Genetics (formerly Invitae), Labcorp
Classification: Pathogenic for Duchenne muscular dystrophy. Last evaluated: 2018-03-12. Review status: criteria provided, single submitter. Criteria: Invitae Variant Classification Sherloc (09022015). Collection method: clinical testing. Allele origin: germline.
Comment: This variant is a gross deletion of the genomic region encompassing exon 1 of the DMD gene, which includes the initiator codon. The 5' end of this event is unknown as it extends beyond the assayed region for this gene and therefore may encompass additional genes. The 3' boundary is likely confined to intron 1 of the DMD gene. This is expected to result in an absent or disrupted protein product. Deletions involving the promoter and exon 1 have been reported in individuals affected with DMD-related muscular dystrophy (PMID: 18752307, 25076844, 26718981) and in a family affected with dilated cardiomyopathy (PMID: 8361506). Loss-of-function variants in DMD are known to be pathogenic (PMID: 16770791, 25007885). For these reasons, this variant has been classified as Pathogenic.

Literature cited by the submitters: PubMed 8361506; PubMed 18752307; PubMed 26718981; PubMed 25076844.